The following is an entry in ClinVar:

NM_015073.3(SIPA1L3):c.4809T>C (p.Pro1603=)

Gene: SIPA1L3 (signal induced proliferation associated 1 like 3; plus strand). Cytogenetic location: 19q13.13.
Variant type: single nucleotide variant.
Coding change: c.4809T>C on transcript NM_015073.3 (MANE Select); coding-DNA position 4809, T replaced by C.
Protein change: p.Pro1603=; no amino-acid change (proline 1603 retained).
Molecular consequence: synonymous variant.
Genome position (GRCh38, 1-based): chr19:38,193,749, T>C. VCF-style: chr19-38193749-T-C. GRCh37 (hg19) VCF-style: chr19-38684389-T-C.
Other names: c.4809T>C (NM_015073.2).
Identifiers: ClinVar variation 1879436 (VCV001879436.32), dbSNP rs368914529, ClinGen allele CA9410486.

ClinVar aggregate classification (germline): Benign/Likely benign. Review status: criteria provided, multiple submitters, no conflicts (2 of 4 stars). 4 submissions from 4 submitters: Benign (1); Likely benign (2). 1 of the submissions does not count toward it. Last evaluated 2025-09-16.

Conditions:
SIPA1L3-related disorder. Also called: SIPA1L3-related condition.

Allele frequency attached by ClinVar (database versions not stated): gnomAD exomes 0.00008; ExAC 0.00028; 1000 Genomes Project 30x 0.00031; 1000 Genomes Project 0.00060; TOPMed 0.00095; gnomAD 0.00106.
gnomAD v4.1: 284 of 1,572,848 alleles (0.018%); highest among the groups gnomAD compares: African/African-American, 0.33%; 1 homozygote.

Submissions (4):

Labcorp Genetics (formerly Invitae), Labcorp
Classification: Benign. Last evaluated: 2025-09-16. Review status: criteria provided, single submitter. Criteria: Invitae Variant Classification Sherloc (09022015). Collection method: clinical testing. Allele origin: germline.

Blueprint Genetics
Classification: Likely benign. Last evaluated: 2024-10-09. Review status: criteria provided, single submitter. Criteria: ACMG Guidelines, 2015. Collection method: clinical testing. Allele origin: germline.

CeGaT Center for Human Genetics Tuebingen
Classification: Likely benign. Last evaluated: 2022-10-01. Review status: criteria provided, single submitter. Criteria: CeGaT Center For Human Genetics Tuebingen Variant Classification Criteria Version 2. Collection method: clinical testing. Allele origin: germline. Affected: yes. Observed: 1 variant allele.
Comment: SIPA1L3: BP4, BP7

PreventionGenetics, part of Exact Sciences
Classification: Likely benign for SIPA1L3-related condition. Last evaluated: 2019-11-20. Review status: no assertion criteria provided. Collection method: clinical testing. Allele origin: germline. Not counted in ClinVar's aggregate classification.
Comment: This variant is classified as likely benign based on ACMG/AMP sequence variant interpretation guidelines (Richards et al. 2015 PMID: 25741868, with internal and published modifications).